The following is an entry in ClinVar:

NM_015205.3(ATP11A):c.2860G>A (p.Val954Ile)

Gene: ATP11A (ATPase phospholipid transporting 11A; plus strand). Cytogenetic location: 13q34.
Variant type: single nucleotide variant.
Coding change: c.2860G>A on transcript NM_015205.3 (MANE Select); coding-DNA position 2860, G replaced by A.
Protein change: p.Val954Ile; replaces valine 954 with isoleucine.
Molecular consequence: missense variant.
Genome position (GRCh38, 1-based): chr13:112,862,444, G>A. VCF-style: chr13-112862444-G-A. GRCh37 (hg19) VCF-style: chr13-113516758-G-A.
Other names: c.2860G>A, p.Val954Ile (NM_001405661.1, NM_001405662.1, NM_001405663.1 and 1 more transcripts); short protein forms V954I.
Identifiers: ClinVar variation 3131306 (VCV003131306.3), dbSNP rs141611036, ClinGen allele CA7057350.
Genomic context (GRCh38, chr13:112,862,444, plus strand): 5'-GAGGTGCCGGGCCCTGATTCTCGAGGACACACGCTGTGCACCTTTCTCCTCACCAGGGAC[G>A]TCGCCAAGAATGCCCTGCTGCGCTGGCGCGTGTTCATCTACTGGACGCTCCTGGGACTGT-3'
Protein context (NP_056020.2, residues 944-964): LKRDPTLYRD[Val954Ile]AKNALLRWRV

ClinVar aggregate classification (germline): Likely benign. Review status: criteria provided, multiple submitters, no conflicts (2 of 4 stars). 3 submissions from 3 submitters: Likely benign (3). Last evaluated 2025-02-16.

Conditions:
ATP11A-related disorder. Also called: ATP11A-related condition.
Inborn genetic diseases. Identifiers: MedGen C0950123, MeSH D030342.

Allele frequency attached by ClinVar (database versions not stated): gnomAD exomes 0.00021; TOPMed 0.00023; gnomAD 0.00025; ExAC 0.00038; ESP Exome Variant Server 0.00046.
gnomAD v4.1: 339 of 1,613,574 alleles (0.021%); highest among the groups gnomAD compares: Non-Finnish European, 0.024%; 1 homozygote.

Submissions (3):

Laboratory of Genetics, Children's Clinical University Hospital Latvia
Classification: Likely benign. Last evaluated: 2025-02-16. Review status: criteria provided, single submitter. Criteria: ACMG Guidelines, 2015. Collection method: clinical testing. Allele origin: germline. Affected: yes.

PreventionGenetics, part of Exact Sciences
Classification: Likely benign for ATP11A-related condition. Last evaluated: 2024-11-09. Review status: criteria provided, single submitter. Criteria: ACMG Guidelines, 2015. Collection method: clinical testing. Allele origin: germline.
Comment: This variant is classified as likely benign based on ACMG/AMP sequence variant interpretation guidelines (Richards et al. 2015 PMID: 25741868, with internal and published modifications).

Ambry Genetics
Classification: Likely benign for Inborn genetic diseases. Last evaluated: 2022-05-11. Review status: criteria provided, single submitter. Criteria: Ambry Variant Classification Scheme 2023. Collection method: clinical testing. Allele origin: germline.